The following is an entry in ClinVar:

ClinVar aggregate classification (germline): Uncertain significance. Review status: criteria provided, multiple submitters, no conflicts (2 of 4 stars). 2 submissions from 2 submitters: Uncertain significance (2). Last evaluated 2024-09-05.

Conditions:
Cardiovascular phenotype. Identifiers: MedGen CN230736.
Dilated cardiomyopathy 1JJ (CMD1JJ). Identifiers: Orphanet 154, MedGen C3808935, MONDO:0014095, OMIM 615235.

Allele frequency attached by ClinVar (database versions not stated): ExAC 0.00001; gnomAD 0.00001 and 0.00002; gnomAD exomes 0.00001 and 0.00002; TOPMed 0.00003.
gnomAD v4.1: 23 of 1,613,986 alleles (0.0014%); highest among the groups gnomAD compares: East Asian, 0.022%; no homozygotes.

Submissions (2):

Ambry Genetics
Classification: Uncertain significance for Cardiovascular phenotype. Last evaluated: 2024-09-05. Review status: criteria provided, single submitter. Criteria: Ambry Variant Classification Scheme 2023. Collection method: clinical testing. Allele origin: germline.
Comment: The p.R1039Q variant (also known as c.3116G>A), located in coding exon 23 of the LAMA4 gene, results from a G to A substitution at nucleotide position 3116. The arginine at codon 1039 is replaced by glutamine, an amino acid with highly similar properties. This amino acid position is highly conserved in available vertebrate species. In addition, the in silico prediction for this alteration is inconclusive. The evidence for this gene-disease relationship is limited; therefore, the clinical significance of this alteration is unclear.

Labcorp Genetics (formerly Invitae), Labcorp
Classification: Uncertain significance for Dilated cardiomyopathy 1JJ. Last evaluated: 2024-08-11. Review status: criteria provided, single submitter. Criteria: Invitae Variant Classification Sherloc (09022015). Collection method: clinical testing. Allele origin: germline.
Comment: This sequence change replaces arginine, which is basic and polar, with glutamine, which is neutral and polar, at codon 1039 of the LAMA4 protein (p.Arg1039Gln). This variant is present in population databases (rs782026501, gnomAD 0.01%). This missense change has been observed in individual(s) with ventricular premature contraction (PMID: 31024045). ClinVar contains an entry for this variant (Variation ID: 970416). An algorithm developed to predict the effect of missense changes on protein structure and function (PolyPhen-2) suggests that this variant is likely to be disruptive. In summary, the available evidence is currently insufficient to determine the role of this variant in disease. Therefore, it has been classified as a Variant of Uncertain Significance.

Literature cited by the submitters: PubMed 31024045 (cited by Labcorp Genetics (formerly Invitae), Labcorp).

NM_001105206.3(LAMA4):c.3137G>A (p.Arg1046Gln)

Gene: LAMA4 (laminin subunit alpha 4; minus strand). Cytogenetic location: 6q21.
Variant type: single nucleotide variant.
Coding change: c.3137G>A on transcript NM_001105206.3 (MANE Select); coding-DNA position 3137, G replaced by A.
Protein change: p.Arg1046Gln; replaces arginine 1046 with glutamine.
Molecular consequence: missense variant.
Genome position (GRCh38, 1-based): chr6:112,139,265, C>T on the plus strand (G>A on the coding strand, the complement: LAMA4 is on the minus strand). VCF-style: chr6-112139265-C-T. GRCh37 (hg19) VCF-style: chr6-112460467-C-T.
Other names: c.3116G>A, p.Arg1039Gln (NM_001105207.3, NM_002290.5); c.3116G>A (NM_002290.3); short protein forms R1039Q, R1046Q.
Identifiers: ClinVar variation 970416 (VCV000970416.10), dbSNP rs782026501, ClinGen allele CA3965297.